The following is an entry in ClinVar:

ClinVar aggregate classification (germline): Conflicting classifications of pathogenicity. Review status: criteria provided, conflicting classifications (1 of 4 stars). 4 submissions from 4 submitters: Uncertain significance (1); Benign (1); Likely benign (1). 1 of the submissions does not count toward it. Last evaluated 2026-01-06.

Conditions:
KMT2D-related disorder. Also called: KMT2D-Related Disorders.
Kabuki syndrome 1 (KABUK1). Also called: KMT2D-Related Kabuki Syndrome. Identifiers: Orphanet 2322, MedGen CN030661, MONDO:0007843, OMIM 147920.
Kabuki syndrome. Also called: NIIKAWA-KUROKI SYNDROME; Kabuki make-up syndrome. Identifiers: Orphanet 2322, MedGen C0796004, MONDO:0016512.

Allele frequency attached by ClinVar (database versions not stated): gnomAD 0.00005 and 0.00006; gnomAD exomes 0.00006 and 0.00015; TOPMed 0.00007; ExAC 0.00015; 1000 Genomes Project 30x 0.00016; ESP Exome Variant Server 0.00017; 1000 Genomes Project 0.00020.
gnomAD v4.1: 105 of 1,613,298 alleles (0.0065%); highest among the groups gnomAD compares: Admixed American, 0.02%; no homozygotes.

Submissions (4):

Labcorp Genetics (formerly Invitae), Labcorp
Classification: Benign for Kabuki syndrome. Last evaluated: 2026-01-06. Review status: criteria provided, single submitter. Criteria: Invitae Variant Classification Sherloc (09022015). Collection method: clinical testing. Allele origin: germline.

CeGaT Center for Human Genetics Tuebingen
Classification: Likely benign. Last evaluated: 2025-02-01. Review status: criteria provided, single submitter. Criteria: CeGaT Center For Human Genetics Tuebingen Variant Classification Criteria Version 2. Collection method: clinical testing. Allele origin: germline. Affected: yes. Observed: 1 variant allele.
Comment: KMT2D: BS2

Mendelics
Classification: Uncertain significance for Kabuki syndrome 1. Last evaluated: 2019-05-28. Review status: criteria provided, single submitter. Criteria: Mendelics Assertion Criteria 2017. Collection method: clinical testing. Allele origin: unknown.

PreventionGenetics, part of Exact Sciences
Classification: Likely benign for KMT2D-related condition. Last evaluated: 2024-01-12. Review status: no assertion criteria provided. Collection method: clinical testing. Allele origin: germline. Not counted in ClinVar's aggregate classification.
Comment: This variant is classified as likely benign based on ACMG/AMP sequence variant interpretation guidelines (Richards et al. 2015 PMID: 25741868, with internal and published modifications).

NM_003482.4(KMT2D):c.14893G>A (p.Ala4965Thr)

Gene: KMT2D (lysine methyltransferase 2D; minus strand). Cytogenetic location: 12q13.12.
Variant type: single nucleotide variant.
Coding change: c.14893G>A on transcript NM_003482.4 (MANE Select); coding-DNA position 14893, G replaced by A.
Protein change: p.Ala4965Thr; replaces alanine 4965 with threonine.
Molecular consequence: missense variant.
Genome position (GRCh38, 1-based): chr12:49,027,073, C>T on the plus strand (G>A on the coding strand, the complement: KMT2D is on the minus strand). VCF-style: chr12-49027073-C-T. GRCh37 (hg19) VCF-style: chr12-49420856-C-T.
Other names: c.14893G>A (NM_003482.3); short protein forms A4965T.
Identifiers: ClinVar variation 802848 (VCV000802848.19), dbSNP rs200747934, ClinGen allele CA6545644.
Genomic context (GRCh38, chr12:49,027,073, plus strand): 5'-CTCCTTTCCATTTCTTGAGGCGAGGAGGACGGGAATCTTCACCTTCTTCAGGGGGCCGGG[C>T]ACGGGGCTTGGGTCGGGCTGATTCAGGGGATGAGGCCAGTGGCAGAGGTGAGGGGACGGG-3'
Protein context (NP_003473.3, residues 4955-4975): SPESARPKPR[Ala4965Thr]RPPEEGEDSR